The following is an entry in ClinVar:

ClinVar aggregate classification (germline): Uncertain significance. Review status: criteria provided, single submitter (1 of 4 stars). 2 submissions from 2 submitters: Uncertain significance (1). 1 of the submissions does not count toward it. Last evaluated 2025-06-27.

Conditions:
KMT2D-related disorder. Also called: KMT2D-Related Disorders.
Kabuki syndrome. Also called: NIIKAWA-KUROKI SYNDROME; Kabuki make-up syndrome. Identifiers: Orphanet 2322, MedGen C0796004, MONDO:0016512.

Submissions (2):

Labcorp Genetics (formerly Invitae), Labcorp
Classification: Uncertain significance for Kabuki syndrome. Last evaluated: 2025-06-27. Review status: criteria provided, single submitter. Criteria: Invitae Variant Classification Sherloc (09022015). Collection method: clinical testing. Allele origin: germline.
Comment: This sequence change replaces cysteine, which is neutral and slightly polar, with tryptophan, which is neutral and slightly polar, at codon 778 of the KMT2D protein (p.Cys778Trp). This variant is not present in population databases (gnomAD no frequency). This variant has not been reported in the literature in individuals affected with KMT2D-related conditions. ClinVar contains an entry for this variant (Variation ID: 1378601). Invitae Evidence Modeling of protein sequence and biophysical properties (such as structural, functional, and spatial information, amino acid conservation, physicochemical variation, residue mobility, and thermodynamic stability) indicates that this missense variant is not expected to disrupt KMT2D protein function with a negative predictive value of 95%. In summary, the available evidence is currently insufficient to determine the role of this variant in disease. Therefore, it has been classified as a Variant of Uncertain Significance.

PreventionGenetics, part of Exact Sciences
Classification: Uncertain significance for KMT2D-related condition. Last evaluated: 2024-01-29. Review status: no assertion criteria provided. Collection method: clinical testing. Allele origin: germline. Not counted in ClinVar's aggregate classification.
Comment: The KMT2D c.2334C>G variant is predicted to result in the amino acid substitution p.Cys778Trp. This variant has been reported in a patient tested for Kabuki syndrome and methylation analysis was negative for signatures consistent with Kabuki syndrome (Table S5, Butcher et al. 2017. PubMed ID: 28475860). This variant has not been reported in a large population database, indicating this variant is rare. At this time, the clinical significance of this variant is uncertain due to the absence of conclusive functional and genetic evidence.

NM_003482.4(KMT2D):c.2334C>G (p.Cys778Trp)

Gene: KMT2D (lysine methyltransferase 2D; minus strand). Cytogenetic location: 12q13.12.
Variant type: single nucleotide variant.
Coding change: c.2334C>G on transcript NM_003482.4 (MANE Select); coding-DNA position 2334, C replaced by G.
Protein change: p.Cys778Trp; replaces cysteine 778 with tryptophan.
Molecular consequence: missense variant.
Genome position (GRCh38, 1-based): chr12:49,051,349, G>C on the plus strand (C>G on the coding strand, the complement: KMT2D is on the minus strand). VCF-style: chr12-49051349-G-C. GRCh37 (hg19) VCF-style: chr12-49445132-G-C.
Other names: c.2334C>G (NM_003482.3); short protein forms C778W.
Identifiers: ClinVar variation 1378601 (VCV001378601.8), dbSNP rs1178023708, ClinGen allele CA384666473.
Genomic context (GRCh38, chr12:49,051,349, plus strand): 5'-GGACAGATGTGGTCCCTCAGCCTGGGGGGACAAGTGTGGCTCCTCAGGCACAGCGCATAG[G>C]CATGGCTCCTCAGGCTGGGGGGACAGGTGTGGCTCCTCAGCCTGCGGAGATAGGTGTGGC-3'
Protein context (NP_003473.3, residues 768-788): PHLSPQPEEP[Cys778Trp]LCAVPEEPHL